The following is an entry in ClinVar:

NM_177972.3(TUB):c.1460G>A (p.Cys487Tyr)

Genes: RIC3 (RIC3 acetylcholine receptor chaperone; minus strand), TUB (TUB bipartite transcription factor; plus strand). Cytogenetic location: 11p15.4.
Variant type: single nucleotide variant.
Coding change: c.1460G>A on transcript NM_177972.3 (MANE Select); coding-DNA position 1460, G replaced by A.
Protein change: p.Cys487Tyr; replaces cysteine 487 with tyrosine.
Molecular consequence: missense variant.
Genome position (GRCh38, 1-based): chr11:8,101,558, G>A. VCF-style: chr11-8101558-G-A. GRCh37 (hg19) VCF-style: chr11-8123105-G-A.
Other names: c.1625G>A, p.Cys542Tyr (NM_003320.5); short protein forms C542Y, C487Y.
Identifiers: ClinVar variation 3975914 (VCV003975914.2).

ClinVar aggregate classification (germline): Uncertain significance. Review status: criteria provided, multiple submitters, no conflicts (2 of 4 stars). 2 submissions from 2 submitters: Uncertain significance (2). Last evaluated 2025-06-24.

Conditions:
TUB-related disorder. Also called: TUB-related condition.

gnomAD v4.1: 3 of 1,614,118 alleles (0.00019%); highest among the groups gnomAD compares: South Asian, 0.0011%; no homozygotes.

Submissions (2):

PreventionGenetics, part of Exact Sciences
Classification: Uncertain significance for TUB-related condition. Last evaluated: 2025-06-24. Review status: criteria provided, single submitter. Criteria: ACMG Guidelines, 2015. Collection method: clinical testing. Allele origin: germline.
Comment: The TUB c.1625G>A variant is predicted to result in the amino acid substitution p.Cys542Tyr. To our knowledge, this variant has not been reported in the literature or in a large population database (gnomAD), indicating this variant is rare. At this time, the clinical significance of this variant is uncertain due to the absence of conclusive functional and genetic evidence.

Ambry Genetics
Classification: Uncertain significance. Last evaluated: 2025-06-09. Review status: criteria provided, single submitter. Criteria: Ambry Variant Classification Scheme 2023. Collection method: clinical testing. Allele origin: germline.